The following is an entry in ClinVar:

NM_000254.3(MTR):c.3007+1G>C

Gene: MTR (5-methyltetrahydrofolate-homocysteine methyltransferase; plus strand). Cytogenetic location: 1q43.
Variant type: single nucleotide variant.
Coding change: c.3007+1G>C on transcript NM_000254.3 (MANE Select); the canonical splice donor site of the intron after coding-DNA position 3007, G replaced by C.
Molecular consequence: splice donor variant.
Genome position (GRCh38, 1-based): chr1:236,889,337, G>C. VCF-style: chr1-236889337-G-C. GRCh37 (hg19) VCF-style: chr1-237052637-G-C.
Other names: c.2854+1G>C (NM_001291939.1); c.2818+1G>C (NM_001410942.1); c.1786+1G>C (NM_001291940.2).
Identifiers: ClinVar variation 2699438 (VCV002699438.3), dbSNP rs1666192928, ClinGen allele CA345386533.
Genomic context (GRCh38, chr1:236,889,337, plus strand): 5'-AGCTCCGGGGCAAGTACCCGAATCGAGGCTTTCCCAAGATATTTAACGACAAAACAGTAG[G>C]TTAGTGCAGTAAGTCCTTCCTTTCTGCCTCTGATATTCAAGCTGTGGGATTGTGACTTTG-3'

ClinVar aggregate classification (germline): Likely pathogenic (1 of 4 stars; one submission).

Conditions:
Methylcobalamin deficiency type cblG (HMAG). Also called: HOMOCYSTINURIA-MEGALOBLASTIC ANEMIA, cblG TYPE; HOMOCYSTINURIA-MEGALOBLASTIC ANEMIA DUE TO DEFECT IN COBALAMIN METABOLISM, cblG COMPLEMENTATION TYPE; Functional methionine synthase deficiency type cblG; HOMOCYSTINURIA-MEGALOBLASTIC ANEMIA, cblG COMPLEMENTATION TYPE. Identifiers: Orphanet 2170, Orphanet 622, MedGen C1855128, MONDO:0009609, OMIM 250940.

Allele frequency attached by ClinVar (database versions not stated): gnomAD exomes below 0.00001.
gnomAD v4.1: 1 of 1,614,176 alleles (0.000062%); highest among the groups gnomAD compares: South Asian, 0.0011%; no homozygotes.

Submission:

Labcorp Genetics (formerly Invitae), Labcorp
Classification: Likely pathogenic for Methylcobalamin deficiency type cblG. Last evaluated: 2023-11-28. Review status: criteria provided, single submitter. Criteria: Invitae Variant Classification Sherloc (09022015). Collection method: clinical testing. Allele origin: germline.
Comment: This sequence change affects a donor splice site in intron 28 of the MTR gene. It is expected to disrupt RNA splicing. Variants that disrupt the donor or acceptor splice site typically lead to a loss of protein function (PMID: 16199547), and loss-of-function variants in MTR are known to be pathogenic (PMID: 9683607, 12068375). This variant is not present in population databases (gnomAD no frequency). This variant has not been reported in the literature in individuals affected with MTR-related conditions. Algorithms developed to predict the effect of sequence changes on RNA splicing suggest that this variant may disrupt the consensus splice site. In summary, the currently available evidence indicates that the variant is pathogenic, but additional data are needed to prove that conclusively. Therefore, this variant has been classified as Likely Pathogenic.

Literature cited by the submitters: PubMed 16199547; PubMed 9683607; PubMed 12068375.